The following is an entry in ClinVar:

ClinVar aggregate classification (germline): Likely benign (1 of 4 stars; one submission).

Allele frequency attached by ClinVar (database versions not stated): gnomAD exomes below 0.00001; TOPMed below 0.00001; ExAC 0.00001; gnomAD 0.00001; ESP Exome Variant Server 0.00008.
gnomAD v4.1: 6 of 1,613,700 alleles (0.00037%); highest among the groups gnomAD compares: Admixed American, 0.0033%; no homozygotes.

Submission:

CeGaT Center for Human Genetics Tuebingen
Classification: Likely benign. Last evaluated: 2024-04-01. Review status: criteria provided, single submitter. Criteria: CeGaT Center For Human Genetics Tuebingen Variant Classification Criteria Version 2. Collection method: clinical testing. Allele origin: germline. Affected: yes. Observed: 1 variant allele.
Comment: C1QTNF5: BP4, BP7

NM_001278431.2(C1QTNF5):c.549G>A (p.Gly183=)

Genes: C1QTNF5 (C1q and TNF related 5; minus strand), MFRP (membrane frizzled-related protein; minus strand). Cytogenetic location: 11q23.3.
Variant type: single nucleotide variant.
Coding change: c.549G>A on transcript NM_001278431.2 (MANE Select); coding-DNA position 549, G replaced by A.
Protein change: p.Gly183=; no amino-acid change (glycine 183 retained).
Molecular consequence: synonymous variant. On other transcripts: 3 prime UTR variant (1).
Genome position (GRCh38, 1-based): chr11:119,339,514, C>T on the plus strand (G>A on the coding strand, the complement: C1QTNF5 is on the minus strand). VCF-style: chr11-119339514-C-T. GRCh37 (hg19) VCF-style: chr11-119210224-C-T.
Other names: c.549G>A, p.Gly183= (NM_015645.5); c.*1445G>A (NM_031433.4).
Identifiers: ClinVar variation 3234527 (VCV003234527.20), dbSNP rs141453967, ClinGen allele CA6319929.